The following is an entry in ClinVar:

NM_080680.3(COL11A2):c.607-2A>T

Gene: COL11A2 (collagen type XI alpha 2 chain; minus strand). Cytogenetic location: 6p21.32.
Variant type: single nucleotide variant.
Coding change: c.607-2A>T on transcript NM_080680.3 (MANE Select); the canonical splice acceptor site of the intron before coding-DNA position 607, A replaced by T.
Molecular consequence: splice acceptor variant.
Genome position (GRCh38, 1-based): chr6:33,186,820, T>A on the plus strand (A>T on the coding strand, the complement: COL11A2 is on the minus strand). VCF-style: chr6-33186820-T-A. GRCh37 (hg19) VCF-style: chr6-33154597-T-A.
Other names: c.-240-2A>T (NM_001424111.1, NM_001424110.1, NM_001424109.1); c.607-2A>T (NM_080679.3, NM_080681.3, NM_001424108.1 and 1 more transcripts).
Identifiers: ClinVar variation 3068800 (VCV003068800.3), dbSNP rs1280126526, ClinGen allele CA363610725.
Genomic context (GRCh38, chr6:33,186,820, plus strand): 5'-TCACATGATTCATAGGCTGCCTGGACCCCTGGGACAATGGCCAGCTCCTGGACATCACCC[T>A]GCAAAGACATGAGAGAGATGGAGCGGAGAGATTCAGAGAGAGGCAGAGGGTATCATCCGG-3'

ClinVar aggregate classification (germline): Likely pathogenic. Review status: criteria provided, multiple submitters, no conflicts (2 of 4 stars). 2 submissions from 2 submitters: Likely pathogenic (2). Last evaluated 2025-09-04.

Conditions:
COL11A2-related disorder. Also called: COL11A2-related disorders; COL11A2-related condition.

Allele frequency attached by ClinVar (database versions not stated): gnomAD 0.00001.
gnomAD v4.1: 3 of 1,613,800 alleles (0.00019%); highest among the groups gnomAD compares: Non-Finnish European, 0.00025%; no homozygotes.

Submissions (2):

Labcorp Genetics (formerly Invitae), Labcorp
Classification: Likely pathogenic. Last evaluated: 2025-09-04. Review status: criteria provided, single submitter. Criteria: Invitae Variant Classification Sherloc (09022015). Collection method: clinical testing. Allele origin: germline.
Comment: This sequence change affects an acceptor splice site in intron 4 of the COL11A2 gene. It is expected to disrupt RNA splicing. Variants that disrupt the donor or acceptor splice site typically lead to a loss of protein function (PMID: 16199547), and loss-of-function variants in COL11A2 are known to be pathogenic (PMID: 10677296, 21204229). This variant is present in population databases (no rsID available, gnomAD 0.007%). This variant has not been reported in the literature in individuals affected with COL11A2-related conditions. ClinVar contains an entry for this variant (Variation ID: 3068800). Algorithms developed to predict the effect of sequence changes on RNA splicing suggest that this variant may disrupt the consensus splice site. In summary, the currently available evidence indicates that the variant is pathogenic, but additional data are needed to prove that conclusively. Therefore, this variant has been classified as Likely Pathogenic.

Women's Health and Genetics/Laboratory Corporation of America, LabCorp
Classification: Likely pathogenic for COL11A2-Related Disorders. Last evaluated: 2024-02-14. Review status: criteria provided, single submitter. Criteria: LabCorp Variant Classification Summary - May 2015. Collection method: clinical testing. Allele origin: germline.
Comment: Variant summary: COL11A2 c.607-2A>T is located in a canonical splice-site and is predicted to affect mRNA splicing resulting in a significantly altered protein due to either exon skipping, shortening, or inclusion of intronic material. Several computational tools predict a significant impact on normal splicing: Four predict the variant abolishes the canonical 3' acceptor site and three predict the variant creates a new 3' acceptor site. However, these predictions have yet to be confirmed by functional studies. The variant allele was found at a frequency of 1.9e-06 in 1613800 control chromosomes (gnomAD). To our knowledge, no occurrence of c.607-2A>T in individuals affected with COL11A2-Related Disorders and no experimental evidence demonstrating its impact on protein function have been reported. No submitters have cited clinical-significance assessments for this variant to ClinVar. Based on the evidence outlined above, the variant was classified as likely pathogenic.

Literature cited by the submitters: PubMed 16199547 (cited by Labcorp Genetics (formerly Invitae), Labcorp); PubMed 10677296 (cited by Labcorp Genetics (formerly Invitae), Labcorp); PubMed 21204229 (cited by Labcorp Genetics (formerly Invitae), Labcorp).